The following is an entry in ClinVar:

ClinVar aggregate classification (germline): Uncertain significance (1 of 4 stars; one submission).

Conditions:
Generalized epilepsy-paroxysmal dyskinesia syndrome (PNKD3). Also called: Paroxysmal nonkinesigenic dyskinesia, 3, with or without generalized epilepsy; Generalized epilepsy and paroxysmal dyskinesia. Identifiers: Orphanet 79137, MedGen C5574945, MONDO:0012276, OMIM 609446.

Submission:

Labcorp Genetics (formerly Invitae), Labcorp
Classification: Uncertain significance for Generalized epilepsy-paroxysmal dyskinesia syndrome. Last evaluated: 2024-02-24. Review status: criteria provided, single submitter. Criteria: Invitae Variant Classification Sherloc (09022015). Collection method: clinical testing. Allele origin: germline.
Comment: This sequence change replaces methionine, which is neutral and non-polar, with threonine, which is neutral and polar, at codon 571 of the KCNMA1 protein (p.Met571Thr). This variant is not present in population databases (gnomAD no frequency). This variant has not been reported in the literature in individuals affected with KCNMA1-related conditions. ClinVar contains an entry for this variant (Variation ID: 1447521). Advanced modeling of protein sequence and biophysical properties (such as structural, functional, and spatial information, amino acid conservation, physicochemical variation, residue mobility, and thermodynamic stability) performed at Invitae indicates that this missense variant is expected to disrupt KCNMA1 protein function with a positive predictive value of 80%. In summary, the available evidence is currently insufficient to determine the role of this variant in disease. Therefore, it has been classified as a Variant of Uncertain Significance.

NM_001161352.2(KCNMA1):c.1712T>C (p.Met571Thr)

Gene: KCNMA1 (potassium calcium-activated channel subfamily M alpha 1; minus strand). Cytogenetic location: 10q22.3.
Variant type: single nucleotide variant.
Coding change: c.1712T>C on transcript NM_001161352.2 (MANE Select); coding-DNA position 1712, T replaced by C.
Protein change: p.Met571Thr; replaces methionine 571 with threonine.
Molecular consequence: missense variant.
Genome position (GRCh38, 1-based): chr10:77,073,134, A>G on the plus strand (T>C on the coding strand, the complement: KCNMA1 is on the minus strand). VCF-style: chr10-77073134-A-G. GRCh37 (hg19) VCF-style: chr10-78832892-A-G.
Other names: c.1712T>C, p.Met571Thr (NM_001014797.3, NM_001161353.2, NM_001271519.2 and 7 more transcripts); c.1550T>C, p.Met517Thr (NM_001271518.2); c.1172T>C, p.Met391Thr (NM_001322838.2); short protein forms M391T, M517T, M571T.
Identifiers: ClinVar variation 1447521 (VCV001447521.6), dbSNP rs2153710128, ClinGen allele CA377404748.